The following is an entry in ClinVar:

ClinVar aggregate classification (germline): Pathogenic (1 of 4 stars; one submission).

Conditions:
Neurofibromatosis, type 1 (NF1). Also called: VON RECKLINGHAUSEN DISEASE; NEUROFIBROMATOSIS, TYPE I, SOMATIC; Peripheral type neurofibromatosis; Neurofibromatosis, type I. Identifiers: Orphanet 636, MedGen C0027831, MONDO:0018975, OMIM 162200. Disease mechanism: loss of function.

Submission:

Labcorp Genetics (formerly Invitae), Labcorp
Classification: Pathogenic for Neurofibromatosis, type 1. Last evaluated: 2021-08-04. Review status: criteria provided, single submitter. Criteria: Invitae Variant Classification Sherloc (09022015). Collection method: clinical testing. Allele origin: germline.
Comment: For these reasons, this variant has been classified as Pathogenic. Loss-of-function variants in NF1 are known to be pathogenic (PMID: 10712197, 23913538). This variant has not been reported in the literature in individuals with NF1-related conditions. ClinVar contains an entry for this variant (Variation ID: 659661). This variant is not present in population databases (ExAC no frequency). This sequence change creates a premature translational stop signal (p.Ala1523Aspfs*30) in the NF1 gene. It is expected to result in an absent or disrupted protein product.

Literature cited by the submitters: PubMed 10712197; PubMed 23913538.

NM_001042492.3(NF1):c.4631del (p.Ala1544fs)

Gene: NF1 (neurofibromin 1; plus strand). Cytogenetic location: 17q11.2.
Variant type: Deletion.
Coding change: c.4631del on transcript NM_001042492.3 (MANE Select); coding-DNA position 4631, one base deleted (C; older notation c.4631delC).
Protein change: p.Ala1544fs; shifts the reading frame from alanine 1544.
Molecular consequence: frameshift variant.
Genome position (GRCh38, 1-based): chr17:31,261,764, C deleted. VCF-style (leftmost placement, unchanged base first): chr17-31261763-GC-G. GRCh37 (hg19) VCF-style: chr17-29588781-GC-G.
Other names: c.4568delC (NM_000267.3); c.4568delC, p.Ala1523Aspfs (NM_000267.4); short protein forms A1544fs, A1523fs.
Identifiers: ClinVar variation 659661 (VCV000659661.7), dbSNP rs1597748782, ClinGen allele CA915949665.